The following is an entry in ClinVar:

NM_001903.5(CTNNA1):c.146A>G (p.Asn49Ser)

Gene: CTNNA1 (catenin alpha 1; plus strand). Cytogenetic location: 5q31.2.
Variant type: single nucleotide variant.
Coding change: c.146A>G on transcript NM_001903.5 (MANE Select); coding-DNA position 146, A replaced by G.
Protein change: p.Asn49Ser; replaces asparagine 49 with serine.
Molecular consequence: missense variant. On other transcripts: 5 prime UTR variant (1), intron variant (1).
Genome position (GRCh38, 1-based): chr5:138,783,217, A>G. VCF-style: chr5-138783217-A-G. GRCh37 (hg19) VCF-style: chr5-138118906-A-G.
Other names: c.146A>G, p.Asn49Ser (NM_001290307.3, NM_001323982.2, NM_001323983.1 and 3 more transcripts); c.-61A>G (NM_001290310.3); c.-9+1188A>G (NM_001290309.3); short protein forms N49S.
Identifiers: ClinVar variation 2125343 (VCV002125343.4), dbSNP rs1308395731, ClinGen allele CA361477345.
Genomic context (GRCh38, chr5:138,783,217, plus strand): 5'-GTTAAAAATGAAACTTTTAGGTTACAACCCTTGTAAACACCAATAGTAAAGGGCCCTCTA[A>G]TAAGAAGAGAGGTCGTTCTAAGAAGGCCCATGTTTTGGCTGCATCTGTTGAACAAGCAAC-3'
Protein context (NP_001894.2, residues 39-59): LVNTNSKGPS[Asn49Ser]KKRGRSKKAH

ClinVar aggregate classification (germline): Uncertain significance (1 of 4 stars; one submission).

gnomAD v4.1: 1 of 1,613,882 alleles (0.000062%); highest among the groups gnomAD compares: Admixed American, 0.0017%; no homozygotes.

Submission:

Labcorp Genetics (formerly Invitae), Labcorp
Classification: Uncertain significance. Last evaluated: 2023-04-03. Review status: criteria provided, single submitter. Criteria: Invitae Variant Classification Sherloc (09022015). Collection method: clinical testing. Allele origin: germline.
Comment: Advanced modeling of protein sequence and biophysical properties (such as structural, functional, and spatial information, amino acid conservation, physicochemical variation, residue mobility, and thermodynamic stability) performed at Invitae indicates that this missense variant is not expected to disrupt CTNNA1 protein function. In summary, the available evidence is currently insufficient to determine the role of this variant in disease. Therefore, it has been classified as a Variant of Uncertain Significance. ClinVar contains an entry for this variant (Variation ID: 2125343). This variant has not been reported in the literature in individuals affected with CTNNA1-related conditions. This variant is present in population databases (no rsID available, gnomAD 0.003%). This sequence change replaces asparagine, which is neutral and polar, with serine, which is neutral and polar, at codon 49 of the CTNNA1 protein (p.Asn49Ser).